The following is an entry in ClinVar:

ClinVar aggregate classification (germline): Uncertain significance (1 of 4 stars; one submission).

Submission:

Labcorp Genetics (formerly Invitae), Labcorp
Classification: Uncertain significance. Last evaluated: 2023-10-12. Review status: criteria provided, single submitter. Criteria: Invitae Variant Classification Sherloc (09022015). Collection method: clinical testing. Allele origin: germline.
Comment: This sequence change replaces glutamic acid, which is acidic and polar, with glycine, which is neutral and non-polar, at codon 685 of the CDH3 protein (p.Glu685Gly). This variant is not present in population databases (gnomAD no frequency). This variant has not been reported in the literature in individuals affected with CDH3-related conditions. Advanced modeling of protein sequence and biophysical properties (such as structural, functional, and spatial information, amino acid conservation, physicochemical variation, residue mobility, and thermodynamic stability) performed at Invitae indicates that this missense variant is not expected to disrupt CDH3 protein function. In summary, the available evidence is currently insufficient to determine the role of this variant in disease. Therefore, it has been classified as a Variant of Uncertain Significance.

NM_001793.6(CDH3):c.2054A>G (p.Glu685Gly)

Gene: CDH3 (cadherin 3; plus strand). Cytogenetic location: 16q22.1.
Variant type: single nucleotide variant.
Coding change: c.2054A>G on transcript NM_001793.6 (MANE Select); coding-DNA position 2054, A replaced by G.
Protein change: p.Glu685Gly; replaces glutamic acid 685 with glycine.
Molecular consequence: missense variant.
Genome position (GRCh38, 1-based): chr16:68,695,306, A>G. VCF-style: chr16-68695306-A-G. GRCh37 (hg19) VCF-style: chr16-68729209-A-G.
Other names: c.2054A>G, p.Glu685Gly (NM_001317195.3); c.1889A>G, p.Glu630Gly (NM_001317196.2); short protein forms E685G, E630G.
Identifiers: ClinVar variation 2755212 (VCV002755212.3), dbSNP rs2543766072, ClinGen allele CA396455971.
Genomic context (GRCh38, chr16:68,695,306, plus strand): 5'-CCCTTGCAGTCCTCCTGCTGGTGCTGCTTTTGTTGGTGAGAAAGAAGCGGAAGATCAAGG[A>G]GCCCCTCCTACTCCCAGAAGATGACACCCGTGACAACGTCTTCTACTATGGCGAAGAGGG-3'
Protein context (NP_001784.2, residues 675-695): LLVRKKRKIK[Glu685Gly]PLLLPEDDTR